The following is an entry in ClinVar:

NM_024334.3(TMEM43):c.1000+2T>C

Gene: TMEM43 (transmembrane protein 43; plus strand). Cytogenetic location: 3p25.1.
Variant type: single nucleotide variant.
Coding change: c.1000+2T>C on transcript NM_024334.3 (MANE Select); the canonical splice donor site of the intron after coding-DNA position 1000, T replaced by C.
Molecular consequence: splice donor variant.
Genome position (GRCh38, 1-based): chr3:14,139,299, T>C. VCF-style: chr3-14139299-T-C. GRCh37 (hg19) VCF-style: chr3-14180799-T-C.
Other names: c.1003+2T>C (NM_001407274.1); c.997+2T>C (NM_001407276.1, NM_001407275.1); c.994+2T>C (NM_001407277.1); c.925+2T>C (NM_001407279.1); c.985+2T>C (NM_001407278.1); c.850+2T>C (NM_001407280.1).
Identifiers: ClinVar variation 534760 (VCV000534760.14), dbSNP rs748618994, ClinGen allele CA050808.

ClinVar aggregate classification (germline): Uncertain significance. Review status: criteria provided, multiple submitters, no conflicts (2 of 4 stars). 5 submissions from 5 submitters: Uncertain significance (5). Last evaluated 2025-11-25.

Conditions:
Arrhythmogenic right ventricular dysplasia 5. Also called: Arrhythmogenic Right Ventricular Dysplasia/Cardiomyopathy 5; ARRHYTHMOGENIC RIGHT VENTRICULAR DYSPLASIA, FAMILIAL, 5. Identifiers: MedGen C1858379, MONDO:0011459, OMIM 604400.
Cardiomyopathy (CMYO). Also called: Cardiomyopathies. Identifiers: Orphanet 167848, MedGen C0878544, MONDO:0004994, HP:0001638. Inheritance: Various modes of inheritance.

Allele frequency attached by ClinVar (database versions not stated): gnomAD 0.00002 and 0.00001; TOPMed 0.00001; gnomAD exomes 0.00002; ExAC 0.00002.
gnomAD v4.1: 26 of 1,608,880 alleles (0.0016%); highest among the groups gnomAD compares: East Asian, 0.056%; no homozygotes.

Submissions (5):

Labcorp Genetics (formerly Invitae), Labcorp
Classification: Uncertain significance for Arrhythmogenic right ventricular dysplasia 5. Last evaluated: 2025-11-25. Review status: criteria provided, single submitter. Criteria: Invitae Variant Classification Sherloc (09022015). Collection method: clinical testing. Allele origin: germline.
Comment: This sequence change falls in intron 11 of the TMEM43 gene. It does not directly change the encoded amino acid sequence of the TMEM43 protein. It affects a nucleotide within the consensus splice site. This variant is present in population databases (rs748618994, gnomAD 0.02%). This variant has not been reported in the literature in individuals affected with TMEM43-related conditions. ClinVar contains an entry for this variant (Variation ID: 534760). Variants that disrupt the consensus splice site are a relatively common cause of aberrant splicing (PMID: 17576681, 9536098). Algorithms developed to predict the effect of sequence changes on RNA splicing suggest that this variant may disrupt the consensus splice site. In summary, the available evidence is currently insufficient to determine the role of this variant in disease. Therefore, it has been classified as a Variant of Uncertain Significance.

GeneDx
Classification: Uncertain significance. Last evaluated: 2025-08-26. Review status: criteria provided, single submitter. Criteria: GeneDx Variant Classification Process June 2021. Collection method: clinical testing. Allele origin: germline. Affected: yes.
Comment: Not observed at significant frequency in large population cohorts (gnomAD); Canonical splice site variant in a gene or region of a gene for which loss of function is not a well-established mechanism of disease; Reported in a patient with sudden cardiac arrest in published literature (PMID: 37796154); This variant is associated with the following publications: (PMID: 37796154)

Color Diagnostics, LLC DBA Color Health
Classification: Uncertain significance for Cardiomyopathy. Last evaluated: 2025-07-01. Review status: criteria provided, single submitter. Criteria: ACMG Guidelines, 2015. Collection method: clinical testing. Allele origin: germline.
Comment: This variant causes a T>C nucleotide substitution at the +2 position of intron 11 of the TMEM43 gene. Splice site prediction tools suggest that this variant may have a significant impact on RNA splicing. To our knowledge, functional studies have not been reported for this variant. This variant has not been reported in individuals affected with TMEM43-related disorders in the literature. This variant has been identified in 4/251374 chromosomes in the general population by the Genome Aggregation Database (gnomAD). Clinical relevance of loss-of-function TMEM43 truncation and splice variants in autosomal dominant cardiovascular disorders is not clearly established. The available evidence is insufficient to determine the role of this variant in disease conclusively. Therefore, this variant is classified as a Variant of Uncertain Significance.

All of Us Research Program, National Institutes of Health
Classification: Uncertain significance for Arrhythmogenic right ventricular dysplasia 5. Last evaluated: 2024-08-29. Review status: criteria provided, single submitter. Criteria: ACMG Guidelines, 2015. Collection method: clinical testing. Allele origin: germline. Inheritance: Autosomal dominant inheritance. Observed: 1 variant allele, 1 heterozygote.
Comment: This study involves interpretation of variants in research participants for the purpose of population health screening. Participant phenotype was not available at the time of variant classification. Additional details can be found in publication PMID: 35346344, PMCID: PMC8962531

Women's Health and Genetics/Laboratory Corporation of America, LabCorp
Classification: Uncertain significance. Last evaluated: 2023-05-15. Review status: criteria provided, single submitter. Criteria: LabCorp Variant Classification Summary - May 2015. Collection method: clinical testing. Allele origin: germline.
Comment: Variant summary: TMEM43 c.1000+2T>C is located in a canonical splice-site of the last intron and is predicted to affect mRNA splicing resulting in a significantly altered protein due to either exon skipping, shortening, or inclusion of intronic material. Several computational tools predict a significant impact on normal splicing: Three predict the variant abolishes a 5' splicing donor site. One predict the variant weakens a 5' donor site. However, these predictions have yet to be confirmed by functional studies. The variant allele was found at a frequency of 1.6e-05 in 251374 control chromosomes. The available data on variant occurrences in the general population are insufficient to allow any conclusion about variant significance. To our knowledge, no occurrence of c.1000+2T>C in individuals affected with Arrhythmogenic Right Ventricular Dysplasia/Cardiomyopathy and no experimental evidence demonstrating its impact on protein function have been reported. Two clinical diagnostic laboratories have submitted clinical-significance assessments for this variant to ClinVar after 2014 and classified the variant as uncertain significance. Based on the evidence outlined above, the variant was classified as uncertain significance.

Literature cited by the submitters: PubMed 17576681 (cited by Labcorp Genetics (formerly Invitae), Labcorp); PubMed 9536098 (cited by Labcorp Genetics (formerly Invitae), Labcorp).